The following is an entry in ClinVar:

NM_002772.3(TMPRSS15):c.2087A>G (p.Gln696Arg)

Gene: TMPRSS15 (transmembrane serine protease 15; minus strand). Cytogenetic location: 21q21.1.
Variant type: single nucleotide variant.
Coding change: c.2087A>G on transcript NM_002772.3 (MANE Select); coding-DNA position 2087, A replaced by G.
Protein change: p.Gln696Arg; replaces glutamine 696 with arginine.
Molecular consequence: missense variant.
Genome position (GRCh38, 1-based): chr21:18,313,023, T>C on the plus strand (A>G on the coding strand, the complement: TMPRSS15 is on the minus strand). VCF-style: chr21-18313023-T-C. GRCh37 (hg19) VCF-style: chr21-19685340-T-C.
Other names: c.2222A>G, p.Gln741Arg (NM_001428056.1); c.2087A>G, p.Gln696Arg (NM_001428057.1); short protein forms Q741R, Q696R.
Identifiers: ClinVar variation 3678393 (VCV003678393.2).
Genomic context (GRCh38, chr21:18,313,023, plus strand): 5'-CAAACATCATTTGAAATCTGGGTGGTCCAGTTCTCAGCACAAGCTGTATGCCATATGCTC[T>C]GGATTCTGAACCGCACTAAACCATTGTTGTTCGTTGTGCCATTGAAAAAACGCACTAAAG-3'
Protein context (NP_002763.3, residues 686-706): NNNGLVRFRI[Gln696Arg]SIWHTACAEN

ClinVar aggregate classification (germline): Uncertain significance (1 of 4 stars; one submission).

gnomAD v4.1: 2 of 1,614,096 alleles (0.00012%); highest among the groups gnomAD compares: Admixed American, 0.0033%; no homozygotes.

Submission:

Labcorp Genetics (formerly Invitae), Labcorp
Classification: Uncertain significance. Last evaluated: 2024-09-16. Review status: criteria provided, single submitter. Criteria: Invitae Variant Classification Sherloc (09022015). Collection method: clinical testing. Allele origin: germline.
Comment: This sequence change replaces glutamine, which is neutral and polar, with arginine, which is basic and polar, at codon 696 of the TMPRSS15 protein (p.Gln696Arg). This variant is present in population databases (no rsID available, gnomAD 0.006%). This variant has not been reported in the literature in individuals affected with TMPRSS15-related conditions. An algorithm developed to predict the effect of missense changes on protein structure and function (PolyPhen-2) suggests that this variant is likely to be tolerated. In summary, the available evidence is currently insufficient to determine the role of this variant in disease. Therefore, it has been classified as a Variant of Uncertain Significance.